The following is an entry in ClinVar:

ClinVar aggregate classification (germline): Likely benign. Review status: criteria provided, multiple submitters, no conflicts (2 of 4 stars). 2 submissions from 2 submitters: Likely benign (2). Last evaluated 2024-11-12.

Allele frequency attached by ClinVar (database versions not stated): gnomAD exomes 0.00001.
gnomAD v4.1: 9 of 1,613,940 alleles (0.00056%); highest among the groups gnomAD compares: Non-Finnish European, 0.00076%; no homozygotes.

Submissions (2):

Labcorp Genetics (formerly Invitae), Labcorp
Classification: Likely benign. Last evaluated: 2024-11-12. Review status: criteria provided, single submitter. Criteria: Invitae Variant Classification Sherloc (09022015). Collection method: clinical testing. Allele origin: germline.

GeneDx
Classification: Likely benign. Last evaluated: 2017-11-15. Review status: criteria provided, single submitter. Criteria: GeneDx Variant Classification (06012015). Collection method: clinical testing. Allele origin: germline. Affected: yes.
Comment: This variant is considered likely benign or benign based on one or more of the following criteria: it is a conservative change, it occurs at a poorly conserved position in the protein, it is predicted to be benign by multiple in silico algorithms, and/or has population frequency not consistent with disease.

NM_173630.4(RTTN):c.27A>G (p.Lys9=)

Gene: RTTN (rotatin; minus strand). Cytogenetic location: 18q22.2.
Variant type: single nucleotide variant.
Coding change: c.27A>G on transcript NM_173630.4 (MANE Select); coding-DNA position 27, A replaced by G.
Protein change: p.Lys9=; no amino-acid change (lysine 9 retained).
Molecular consequence: synonymous variant. On other transcripts: 5 prime UTR variant (1).
Genome position (GRCh38, 1-based): chr18:70,205,632, T>C on the plus strand (A>G on the coding strand, the complement: RTTN is on the minus strand). VCF-style: chr18-70205632-T-C. GRCh37 (hg19) VCF-style: chr18-67872868-T-C.
Other names: c.-2527A>G (NM_001318520.2).
Identifiers: ClinVar variation 513270 (VCV000513270.3), dbSNP rs1555784718, ClinGen allele CA504325215.